The following is an entry in ClinVar:

ClinVar aggregate classification (germline): Uncertain significance. Review status: criteria provided, multiple submitters, no conflicts (2 of 4 stars). 3 submissions from 3 submitters: Uncertain significance (3). Last evaluated 2025-11-06.

Conditions:
MYH14-related disorder. Also called: MYH14-related condition.

Allele frequency attached by ClinVar (database versions not stated): gnomAD 0.00002; ExAC 0.00003; TOPMed 0.00005; 1000 Genomes Project 30x 0.00016; 1000 Genomes Project 0.00020.
gnomAD v4.1: 46 of 1,613,092 alleles (0.0029%); highest among the groups gnomAD compares: Non-Finnish European, 0.0034%; no homozygotes.

Submissions (3):

PreventionGenetics, part of Exact Sciences
Classification: Uncertain significance for MYH14-related condition. Last evaluated: 2025-11-06. Review status: criteria provided, single submitter. Criteria: ACMG Guidelines, 2015. Collection method: clinical testing. Allele origin: germline.
Comment: The MYH14 c.2375A>G variant is predicted to result in the amino acid substitution p.Asn792Ser. To our knowledge, this variant has not been reported in the literature. This variant is reported in 0.0056% of alleles in individuals of East Asian descent in gnomAD. At this time, the clinical significance of this variant is uncertain due to the absence of conclusive functional and genetic evidence.

Labcorp Genetics (formerly Invitae), Labcorp
Classification: Uncertain significance. Last evaluated: 2023-08-10. Review status: criteria provided, single submitter. Criteria: Invitae Variant Classification Sherloc (09022015). Collection method: clinical testing. Allele origin: germline.
Comment: In summary, the available evidence is currently insufficient to determine the role of this variant in disease. Therefore, it has been classified as a Variant of Uncertain Significance. Advanced modeling of protein sequence and biophysical properties (such as structural, functional, and spatial information, amino acid conservation, physicochemical variation, residue mobility, and thermodynamic stability) performed at Invitae indicates that this missense variant is not expected to disrupt MYH14 protein function. ClinVar contains an entry for this variant (Variation ID: 1710716). This variant has not been reported in the literature in individuals affected with MYH14-related conditions. This variant is present in population databases (rs562423876, gnomAD 0.006%). This sequence change replaces asparagine, which is neutral and polar, with serine, which is neutral and polar, at codon 751 of the MYH14 protein (p.Asn751Ser).

GeneDx
Classification: Uncertain significance. Last evaluated: 2022-10-10. Review status: criteria provided, single submitter. Criteria: GeneDx Variant Classification Process June 2021. Collection method: clinical testing. Allele origin: germline. Affected: yes.
Comment: In silico analysis supports that this missense variant has a deleterious effect on protein structure/function; Has not been previously published as pathogenic or benign to our knowledge

NM_001145809.2(MYH14):c.2375A>G (p.Asn792Ser)

Gene: MYH14 (myosin heavy chain 14; plus strand). Cytogenetic location: 19q13.33.
Variant type: single nucleotide variant.
Coding change: c.2375A>G on transcript NM_001145809.2 (MANE Select); coding-DNA position 2375, A replaced by G.
Protein change: p.Asn792Ser; replaces asparagine 792 with serine.
Molecular consequence: missense variant.
Genome position (GRCh38, 1-based): chr19:50,260,666, A>G. VCF-style: chr19-50260666-A-G. GRCh37 (hg19) VCF-style: chr19-50763923-A-G.
Other names: c.2276A>G, p.Asn759Ser (NM_001077186.2); c.2252A>G, p.Asn751Ser (NM_024729.4); c.2375A>G (NM_001145809.1); short protein forms N751S, N759S, N792S.
Identifiers: ClinVar variation 1710716 (VCV001710716.7), dbSNP rs562423876, ClinGen allele CA9592880.